The following is an entry in ClinVar:

ClinVar aggregate classification (germline): Conflicting classifications of pathogenicity. Review status: criteria provided, conflicting classifications (1 of 4 stars). 3 submissions from 3 submitters: Likely pathogenic (2); Uncertain significance (1). Last evaluated 2025-06-18.

Conditions:
Familial hypocalciuric hypercalcemia (FHH). Also called: Familial benign hypercalcemia. Identifiers: Orphanet 405, MedGen C1809471, MONDO:0018458.
Autosomal dominant hypocalcemia 1 (HYPOC1). Also called: HYPOCALCEMIA, FAMILIAL. Identifiers: MedGen C3715128, MONDO:0011013, OMIM 601198.

Submissions (3):

Labcorp Genetics (formerly Invitae), Labcorp
Classification: Uncertain significance for Familial hypocalciuric hypercalcemia; Autosomal dominant hypocalcemia 1. Last evaluated: 2025-06-18. Review status: criteria provided, single submitter. Criteria: Invitae Variant Classification Sherloc (09022015). Collection method: clinical testing. Allele origin: germline.
Comment: This sequence change replaces cysteine, which is neutral and slightly polar, with phenylalanine, which is neutral and non-polar, at codon 236 of the CASR protein (p.Cys236Phe). This variant is not present in population databases (gnomAD no frequency). This variant has not been reported in the literature in individuals affected with CASR-related conditions. ClinVar contains an entry for this variant (Variation ID: 447002). An algorithm developed to predict the effect of missense changes on protein structure and function (PolyPhen-2) suggests that this variant is likely to be disruptive. In summary, the available evidence is currently insufficient to determine the role of this variant in disease. Therefore, it has been classified as a Variant of Uncertain Significance.

Mayo Clinic Laboratories, Mayo Clinic
Classification: Likely pathogenic. Last evaluated: 2023-10-04. Review status: criteria provided, single submitter. Criteria: ACMG Guidelines, 2015. Collection method: clinical testing. Allele origin: germline. Observed: 1 variant allele.
Comment: PP2, PP3, PM1, PM2, PM5_supporting

Athena Diagnostics
Classification: Likely pathogenic. Last evaluated: 2017-01-26. Review status: criteria provided, single submitter. Criteria: Athena Diagnostics Criteria. Collection method: clinical testing. Allele origin: germline.

Literature cited by the submitters: PubMed 10206973 (cited by Mayo Clinic Laboratories, Mayo Clinic); PubMed 10488104 (cited by Mayo Clinic Laboratories, Mayo Clinic); PubMed 11069904 (cited by Mayo Clinic Laboratories, Mayo Clinic); PubMed 22422767 (cited by Mayo Clinic Laboratories, Mayo Clinic).

NM_000388.4(CASR):c.707G>T (p.Cys236Phe)

Gene: CASR (calcium sensing receptor; plus strand). Cytogenetic location: 3q21.1.
Variant type: single nucleotide variant.
Coding change: c.707G>T on transcript NM_000388.4 (MANE Select); coding-DNA position 707, G replaced by T.
Protein change: p.Cys236Phe; replaces cysteine 236 with phenylalanine.
Molecular consequence: missense variant.
Genome position (GRCh38, 1-based): chr3:122,261,742, G>T. VCF-style: chr3-122261742-G-T. GRCh37 (hg19) VCF-style: chr3-121980589-G-T.
Other names: p.Cys236Phe; c.707G>T, p.Cys236Phe (NM_001178065.2); short protein forms C236F.
Identifiers: ClinVar variation 447002 (VCV000447002.10), dbSNP rs1057518616, ClinGen allele CA354151177.